The following is an entry in ClinVar:

NM_014727.3(KMT2B):c.2862C>T (p.Pro954=)

Gene: KMT2B (lysine methyltransferase 2B; plus strand). Cytogenetic location: 19q13.12.
Variant type: single nucleotide variant.
Coding change: c.2862C>T on transcript NM_014727.3 (MANE Select); coding-DNA position 2862, C replaced by T.
Protein change: p.Pro954=; no amino-acid change (proline 954 retained).
Molecular consequence: synonymous variant.
Genome position (GRCh38, 1-based): chr19:35,723,134, C>T. VCF-style: chr19-35723134-C-T. GRCh37 (hg19) VCF-style: chr19-36214036-C-T.
Identifiers: ClinVar variation 768985 (VCV000768985.36), dbSNP rs149968598, ClinGen allele CA9384589.

ClinVar aggregate classification (germline): Benign/Likely benign. Review status: criteria provided, multiple submitters, no conflicts (2 of 4 stars). 5 submissions from 5 submitters: Benign (3); Likely benign (1). 1 of the submissions does not count toward it. Last evaluated 2026-01-28.

Conditions:
KMT2B-related disorder. Also called: KMT2B-related condition; KMT2B-related disorders. Identifiers: MedGen CN381338.

Allele frequency attached by ClinVar (database versions not stated): gnomAD exomes 0.00040 and 0.00100; ExAC 0.00120; ESP Exome Variant Server 0.00362; gnomAD 0.00390 and 0.00416; TOPMed 0.00445; 1000 Genomes Project 0.00519; 1000 Genomes Project 30x 0.00531.
gnomAD v4.1: 1,200 of 1,613,548 alleles (0.074%); highest among the groups gnomAD compares: African/African-American, 1.4%; 4 homozygotes.

Submissions (5):

Labcorp Genetics (formerly Invitae), Labcorp
Classification: Benign. Last evaluated: 2026-01-28. Review status: criteria provided, single submitter. Criteria: Invitae Variant Classification Sherloc (09022015). Collection method: clinical testing. Allele origin: germline.

Blueprint Genetics
Classification: Likely benign. Last evaluated: 2024-10-18. Review status: criteria provided, single submitter. Criteria: ACMG Guidelines, 2015. Collection method: clinical testing. Allele origin: germline.

CeGaT Center for Human Genetics Tuebingen
Classification: Benign. Last evaluated: 2024-01-01. Review status: criteria provided, single submitter. Criteria: CeGaT Center For Human Genetics Tuebingen Variant Classification Criteria Version 2. Collection method: clinical testing. Allele origin: germline. Affected: yes. Observed: 2 variant alleles.
Comment: KMT2B: BP4, BP7, BS1, BS2

Breakthrough Genomics
Classification: Benign. Review status: criteria provided, single submitter. Criteria: ACMG Guidelines, 2015. Collection method: not provided. Allele origin: germline. Inheritance: Autosomal dominant inheritance. Affected: yes.

PreventionGenetics, part of Exact Sciences
Classification: Benign for KMT2B-related condition. Last evaluated: 2019-07-09. Review status: no assertion criteria provided. Collection method: clinical testing. Allele origin: germline. Not counted in ClinVar's aggregate classification.
Comment: This variant is classified as benign based on ACMG/AMP sequence variant interpretation guidelines (Richards et al. 2015 PMID: 25741868, with internal and published modifications).